The following is an entry in ClinVar:

ClinVar aggregate classification (germline): Likely pathogenic (1 of 4 stars; one submission).

Conditions:
Hypertrophic cardiomyopathy 4. Also called: Familial hypertrophic cardiomyopathy 4. Identifiers: MedGen C1861862, MONDO:0007268, OMIM 115197.

Submission:

Human Genetics Bochum, Ruhr University Bochum
Classification: Likely pathogenic for Hypertrophic cardiomyopathy 4. Last evaluated: 2024-12-11. Review status: criteria provided, single submitter. Criteria: ACMG Guidelines, 2015. Collection method: clinical testing. Allele origin: germline. Affected: yes.
Comment: ACMG criteria used to clasify this variant: PVS1, PM2_SUP

NM_000256.3(MYBPC3):c.1667del (p.Val556fs)

Gene: MYBPC3 (myosin binding protein C3; minus strand). Cytogenetic location: 11p11.2.
Variant type: Deletion.
Coding change: c.1667del on transcript NM_000256.3 (MANE Select); coding-DNA position 1667, one base deleted (T; older notation c.1667delT).
Protein change: p.Val556fs; shifts the reading frame from valine 556.
Molecular consequence: frameshift variant.
Genome position (GRCh38, 1-based): chr11:47,342,114, A deleted on the plus strand (T on the coding strand, the reverse complement: MYBPC3 is on the minus strand). VCF-style (leftmost placement, unchanged base first): chr11-47342113-CA-C. GRCh37 (hg19) VCF-style: chr11-47363664-CA-C.
Other names: short protein forms V556fs.
Identifiers: ClinVar variation 4688013 (VCV004688013.1).